The following is an entry in ClinVar:

ClinVar aggregate classification (germline): Uncertain significance. Review status: criteria provided, multiple submitters, no conflicts (2 of 4 stars). 3 submissions from 3 submitters: Uncertain significance (3). Last evaluated 2025-07-13.

Conditions:
LZTR1-related disorder. Also called: LZTR1-related disorders; LZTR1-related condition.
Hereditary cancer-predisposing syndrome. Also called: Hereditary neoplastic syndrome; Hereditary Cancer Syndrome; Tumor predisposition; Neoplastic Syndromes, Hereditary. Identifiers: Orphanet 140162, MedGen C0027672, MeSH D009386, MONDO:0015356.
Cardiovascular phenotype. Identifiers: MedGen CN230736.

Submissions (3):

Labcorp Genetics (formerly Invitae), Labcorp
Classification: Uncertain significance. Last evaluated: 2025-07-13. Review status: criteria provided, single submitter. Criteria: Invitae Variant Classification Sherloc (09022015). Collection method: clinical testing. Allele origin: germline.
Comment: This sequence change creates a premature translational stop signal (p.Thr808Profs*5) in the LZTR1 gene. While this is not anticipated to result in nonsense mediated decay, it is expected to disrupt the last 33 amino acid(s) of the LZTR1 protein. This variant is present in population databases (no rsID available, gnomAD 0.003%). This variant has not been reported in the literature in individuals affected with LZTR1-related conditions. ClinVar contains an entry for this variant (Variation ID: 2739066). In summary, the available evidence is currently insufficient to determine the role of this variant in disease. Therefore, it has been classified as a Variant of Uncertain Significance.

Ambry Genetics
Classification: Uncertain significance for Cardiovascular phenotype; Hereditary cancer-predisposing syndrome. Last evaluated: 2025-06-25. Review status: criteria provided, single submitter. Criteria: Ambry Variant Classification Scheme 2023. Collection method: clinical testing. Allele origin: germline.
Comment: The c.2421delC variant, located in coding exon 21 of the LZTR1 gene, results from a deletion of one nucleotide at nucleotide position 2421, causing a translational frameshift with a predicted alternate stop codon (p.T808Pfs*5). This alteration occurs at the 3' terminus of theLZTR1 gene, is not expected to trigger nonsense-mediated mRNAdecay, and only impacts the last 3% of the protein. The exact functional effect of this alteration is unknown. Since supporting evidence is limited at this time, the clinical significance of this alteration remains unclear.

PreventionGenetics, part of Exact Sciences
Classification: Uncertain significance for LZTR1-related condition. Last evaluated: 2024-11-27. Review status: criteria provided, single submitter. Criteria: ACMG Guidelines, 2015. Collection method: clinical testing. Allele origin: germline.
Comment: The LZTR1 c.2421delC variant is predicted to result in a frameshift and premature protein termination (p.Thr808Profs*5). To our knowledge, this variant has not been reported in the literature. This variant is located in the last exon of LZTR1, and therefore may or may not undergo nonsense-mediated decay. This variant is reported in 0.0029% of alleles in individuals of Latino descent in gnomAD. At this time, the clinical significance of this variant is uncertain due to the absence of conclusive functional and genetic evidence.

NM_006767.4(LZTR1):c.2421del (p.Thr808fs)

Gene: LZTR1 (leucine zipper like post translational regulator 1; plus strand). Cytogenetic location: 22q11.21.
Variant type: Deletion.
Coding change: c.2421del on transcript NM_006767.4 (MANE Select); coding-DNA position 2421, one base deleted (C; older notation c.2421delC).
Protein change: p.Thr808fs; shifts the reading frame from threonine 808.
Molecular consequence: frameshift variant.
Genome position (GRCh38, 1-based): chr22:20,997,246, C deleted; the last of 3 consecutive C bases (chr22:20,997,244-20,997,246); deleting any one gives the same sequence. VCF-style (leftmost placement, unchanged base first): chr22-20997243-GC-G. GRCh37 (hg19) VCF-style: chr22-21351532-GC-G.
Other names: c.2421delC (NM_006767.3); short protein forms T808fs.
Identifiers: ClinVar variation 2739066 (VCV002739066.6), dbSNP rs1185411712, ClinGen allele CA638550482.